The following is an entry in ClinVar:

ClinVar aggregate classification (germline): Uncertain significance (1 of 4 stars; one submission).

Conditions:
Dextro-looped transposition of the great arteries. Also called: Dextrotransposition of the great arteries. Identifiers: Orphanet 860, MedGen C3531771, MONDO:0019443, OMIM 608808, HP:0031348.

Submission:

Labcorp Genetics (formerly Invitae), Labcorp
Classification: Uncertain significance for Dextro-looped transposition of the great arteries. Last evaluated: 2025-03-11. Review status: criteria provided, single submitter. Criteria: Invitae Variant Classification Sherloc (09022015). Collection method: clinical testing. Allele origin: germline.
Comment: This sequence change replaces asparagine, which is neutral and polar, with tyrosine, which is neutral and polar, at codon 1268 of the MED13L protein (p.Asn1268Tyr). This variant is not present in population databases (gnomAD no frequency). This variant has not been reported in the literature in individuals affected with MED13L-related conditions. Invitae Evidence Modeling of protein sequence and biophysical properties (such as structural, functional, and spatial information, amino acid conservation, physicochemical variation, residue mobility, and thermodynamic stability) indicates that this missense variant is not expected to disrupt MED13L protein function with a negative predictive value of 80%. In summary, the available evidence is currently insufficient to determine the role of this variant in disease. Therefore, it has been classified as a Variant of Uncertain Significance.

NM_015335.5(MED13L):c.3802A>T (p.Asn1268Tyr)

Gene: MED13L (mediator complex subunit 13L; minus strand). Cytogenetic location: 12q24.21.
Variant type: single nucleotide variant.
Coding change: c.3802A>T on transcript NM_015335.5 (MANE Select); coding-DNA position 3802, A replaced by T.
Protein change: p.Asn1268Tyr; replaces asparagine 1268 with tyrosine.
Molecular consequence: missense variant.
Genome position (GRCh38, 1-based): chr12:115,991,152, T>A on the plus strand (A>T on the coding strand, the complement: MED13L is on the minus strand). VCF-style: chr12-115991152-T-A. GRCh37 (hg19) VCF-style: chr12-116428957-T-A.
Other names: short protein forms N1268Y.
Identifiers: ClinVar variation 4768411 (VCV004768411.1).